The following is an entry in ClinVar:

ClinVar aggregate classification (germline): Uncertain significance (1 of 4 stars; one submission).

Conditions:
Hajdu-Cheney syndrome (HJCYS). Also called: ACROOSTEOLYSIS WITH OSTEOPOROSIS AND CHANGES IN SKULL AND MANDIBLE; SERPENTINE FIBULA-POLYCYSTIC KIDNEY SYNDROME; Acroosteolysis dominant type. Identifiers: Orphanet 955, MedGen C0917715, MONDO:0007057, OMIM 102500.

Allele frequency attached by ClinVar (database versions not stated): gnomAD 0.00001.
gnomAD v4.1: 2 of 1,614,058 alleles (0.00012%); highest among the groups gnomAD compares: African/African-American, 0.0027%; no homozygotes.

Submission:

Labcorp Genetics (formerly Invitae), Labcorp
Classification: Uncertain significance for Hajdu-Cheney syndrome. Last evaluated: 2019-11-12. Review status: criteria provided, single submitter. Criteria: Invitae Variant Classification Sherloc (09022015). Collection method: clinical testing. Allele origin: germline.
Comment: In summary, the available evidence is currently insufficient to determine the role of this variant in disease. Therefore, it has been classified as a Variant of Uncertain Significance. Algorithms developed to predict the effect of missense changes on protein structure and function output the following: SIFT: "Tolerated"; PolyPhen-2: "Benign"; Align-GVGD: "Class C0". The valine amino acid residue is found in multiple mammalian species, suggesting that this missense change does not adversely affect protein function. These predictions have not been confirmed by published functional studies and their clinical significance is uncertain. This variant has not been reported in the literature in individuals with NOTCH2-related conditions. This variant is not present in population databases (ExAC no frequency). This sequence change replaces methionine with valine at codon 2112 of the NOTCH2 protein (p.Met2112Val). The methionine residue is highly conserved and there is a small physicochemical difference between methionine and valine.

NM_024408.4(NOTCH2):c.6334A>G (p.Met2112Val)

Gene: NOTCH2 (notch receptor 2; minus strand). Cytogenetic location: 1p12.
Variant type: single nucleotide variant.
Coding change: c.6334A>G on transcript NM_024408.4 (MANE Select); coding-DNA position 6334, A replaced by G.
Protein change: p.Met2112Val; replaces methionine 2112 with valine.
Molecular consequence: missense variant.
Genome position (GRCh38, 1-based): chr1:119,916,388, T>C on the plus strand (A>G on the coding strand, the complement: NOTCH2 is on the minus strand). VCF-style: chr1-119916388-T-C. GRCh37 (hg19) VCF-style: chr1-120459011-T-C.
Other names: short protein forms M2112V.
Identifiers: ClinVar variation 957155 (VCV000957155.10), dbSNP rs1237418902, ClinGen allele CA341878680.